The following is an entry in ClinVar:

NM_178013.4(PRIMA1):c.116A>C (p.Lys39Thr)

Gene: PRIMA1 (proline rich membrane anchor 1; minus strand). Cytogenetic location: 14q32.12.
Variant type: single nucleotide variant.
Coding change: c.116A>C on transcript NM_178013.4 (MANE Select); coding-DNA position 116, A replaced by C.
Protein change: p.Lys39Thr; replaces lysine 39 with threonine.
Molecular consequence: missense variant.
Genome position (GRCh38, 1-based): chr14:93,779,289, T>G on the plus strand (A>C on the coding strand, the complement: PRIMA1 is on the minus strand). VCF-style: chr14-93779289-T-G. GRCh37 (hg19) VCF-style: chr14-94245635-T-G.
Other names: short protein forms K39T.
Identifiers: ClinVar variation 643118 (VCV000643118.11), dbSNP rs1595225943, ClinGen allele CA391146086.

ClinVar aggregate classification (germline): Uncertain significance (1 of 4 stars; one submission).

Conditions:
Familial sleep-related hypermotor epilepsy. Also called: Autosomal Dominant Sleep-Related Hypermotor (Hyperkinetic) Epilepsy. Identifiers: Orphanet 98784, MedGen C3696898, MONDO:0000030.

Submission:

Labcorp Genetics (formerly Invitae), Labcorp
Classification: Uncertain significance for Familial sleep-related hypermotor epilepsy. Last evaluated: 2019-05-04. Review status: criteria provided, single submitter. Criteria: Invitae Variant Classification Sherloc (09022015). Collection method: clinical testing. Allele origin: germline.
Comment: In summary, the available evidence is currently insufficient to determine the role of this variant in disease. Therefore, it has been classified as a Variant of Uncertain Significance. Algorithms developed to predict the effect of missense changes on protein structure and function are either unavailable or do not agree on the potential impact of this missense change (SIFT: "Deleterious"; PolyPhen-2: "Benign"; Align-GVGD: "Class C65"). This variant has not been reported in the literature in individuals with PRIMA1-related conditions. This variant is not present in population databases (ExAC no frequency). This sequence change replaces lysine with threonine at codon 39 of the PRIMA1 protein (p.Lys39Thr). The lysine residue is highly conserved and there is a moderate physicochemical difference between lysine and threonine.